The following is an entry in ClinVar:

ClinVar aggregate classification (germline): Benign (1 of 4 stars; one submission).

Allele frequency attached by ClinVar (database versions not stated): 1000 Genomes Project 30x 0.38273; 1000 Genomes Project 0.38438; TOPMed 0.41574; gnomAD 0.42310 and 0.42710.
gnomAD v4.1: 64,347 of 151,938 alleles (42%); highest among the groups gnomAD compares: Non-Finnish European, 43%; 13,914 homozygotes.

Submission:

GeneDx
Classification: Benign. Last evaluated: 2018-06-14. Review status: criteria provided, single submitter. Criteria: GeneDx Variant Classification (06012015). Collection method: clinical testing. Allele origin: germline. Affected: yes.
Comment: This variant is considered likely benign or benign based on one or more of the following criteria: it is a conservative change, it occurs at a poorly conserved position in the protein, it is predicted to be benign by multiple in silico algorithms, and/or has population frequency not consistent with disease.

NM_130837.3(OPA1):c.2441-234G>A

Gene: OPA1 (OPA1 mitochondrial dynamin like GTPase; plus strand). Cytogenetic location: 3q29.
Variant type: single nucleotide variant.
Coding change: c.2441-234G>A on transcript NM_130837.3 (MANE Select); 234 bases into the intron before coding-DNA position 2441, G replaced by A.
Molecular consequence: intron variant.
Genome position (GRCh38, 1-based): chr3:193,659,248, G>A. VCF-style: chr3-193659248-G-A. GRCh37 (hg19) VCF-style: chr3-193377037-G-A.
Other names: c.1904-234G>A (NM_001354664.2); c.1907-234G>A (NM_001354663.2); c.2330-234G>A (NM_130834.3); c.2387-234G>A (NM_130836.3); c.2276-234G>A (NM_015560.3); c.2333-234G>A (NM_130835.3); c.2222-234G>A (NM_130832.3); c.2279-234G>A (NM_130833.3); and 1 more.
Identifiers: ClinVar variation 667792 (VCV000667792.1), dbSNP rs28457829, ClinGen allele CA16171259.